The following is an entry in ClinVar:

ClinVar aggregate classification (germline): Pathogenic (1 of 4 stars; one submission).

Allele frequency attached by ClinVar (database versions not stated): gnomAD exomes below 0.00001.
gnomAD v4.1: 1 of 1,613,856 alleles (0.000062%); highest among the groups gnomAD compares: Non-Finnish European, 0.000085%; no homozygotes.

Submission:

Labcorp Genetics (formerly Invitae), Labcorp
Classification: Pathogenic. Last evaluated: 2023-11-13. Review status: criteria provided, single submitter. Criteria: Invitae Variant Classification Sherloc (09022015). Collection method: clinical testing. Allele origin: germline.
Comment: This sequence change creates a premature translational stop signal (p.Gln1174*) in the ABCB4 gene. It is expected to result in an absent or disrupted protein product. Loss-of-function variants in ABCB4 are known to be pathogenic (PMID: 17726488, 25755532). This variant is not present in population databases (gnomAD no frequency). This variant has not been reported in the literature in individuals affected with ABCB4-related conditions. For these reasons, this variant has been classified as Pathogenic.

Literature cited by the submitters: PubMed 17726488; PubMed 25755532.

NM_000443.4(ABCB4):c.3520C>T (p.Gln1174Ter)

Gene: ABCB4 (ATP binding cassette subfamily B member 4; minus strand). Cytogenetic location: 7q21.12.
Variant type: single nucleotide variant.
Coding change: c.3520C>T on transcript NM_000443.4 (MANE Select); coding-DNA position 3520, C replaced by T.
Protein change: p.Gln1174Ter; replaces glutamine 1174 with a stop codon.
Molecular consequence: nonsense.
Genome position (GRCh38, 1-based): chr7:87,403,248, G>A on the plus strand (C>T on the coding strand, the complement: ABCB4 is on the minus strand). VCF-style: chr7-87403248-G-A. GRCh37 (hg19) VCF-style: chr7-87032564-G-A.
Other names: c.3541C>T, p.Gln1181Ter (NM_018849.3); c.3379C>T, p.Gln1127Ter (NM_018850.3); short protein forms Q1174*, Q1181*, Q1127*.
Identifiers: ClinVar variation 2695513 (VCV002695513.3), dbSNP rs1807936303, ClinGen allele CA368057681.